The following is an entry in ClinVar:

NM_000258.3(MYL3):c.427G>A (p.Glu143Lys)

Gene: MYL3 (myosin light chain 3; minus strand). Cytogenetic location: 3p21.31.
Variant type: single nucleotide variant.
Coding change: c.427G>A on transcript NM_000258.3 (MANE Select); coding-DNA position 427, G replaced by A.
Protein change: p.Glu143Lys; replaces glutamic acid 143 with lysine.
Molecular consequence: missense variant.
Genome position (GRCh38, 1-based): chr3:46,859,529, C>T on the plus strand (G>A on the coding strand, the complement: MYL3 is on the minus strand). VCF-style: chr3-46859529-C-T. GRCh37 (hg19) VCF-style: chr3-46901019-C-T.
Other names: p.E143K:GAG>AAG; short protein forms E143K.
Identifiers: ClinVar variation 14063 (VCV000014063.61), dbSNP rs104893750, ClinGen allele CA013774.

ClinVar aggregate classification (germline): Uncertain significance. Review status: reviewed by expert panel (3 of 4 stars). 20 submissions from 20 submitters: Uncertain significance (1). 19 of the submissions do not count toward it. Last evaluated 2025-11-14.

Conditions:
MYL3-related disorder. Also called: MYL3-related condition.
Cardiovascular phenotype. Identifiers: MedGen CN230736.
Cardiomyopathy (CMYO). Also called: Cardiomyopathies. Identifiers: Orphanet 167848, MedGen C0878544, MONDO:0004994, HP:0001638. Inheritance: Various modes of inheritance.
Hypertrophic cardiomyopathy 8. Also called: MYL3-Related Familial Hypertrophic Cardiomyopathy; CARDIOMYOPATHY, HYPERTROPHIC, MID-LEFT VENTRICULAR CHAMBER TYPE, 1. Identifiers: MedGen C1837471, MONDO:0012111, OMIM 608751.
Primary familial hypertrophic cardiomyopathy (HCM). Identifiers: Orphanet 99739, MedGen C0949658, MeSH D024741, MONDO:0024573. Inheritance: Various modes of inheritance.
Hypertrophic cardiomyopathy. Also called: HYPERTROPHIC MYOCARDIOPATHY. Identifiers: Orphanet 217569, MedGen C0007194, MeSH D002312, MONDO:0005045, HP:0001639.

Allele frequency attached by ClinVar (database versions not stated): gnomAD 0.00001; gnomAD exomes 0.00001 and 0.00002; TOPMed 0.00002.
gnomAD v4.1: 14 of 1,614,108 alleles (0.00087%); highest among the groups gnomAD compares: Admixed American, 0.023%; no homozygotes.

Submissions 1 to 5 of 20:

ClinGen Cardiomyopathy Variant Curation Expert Panel
Classification: Uncertain significance for Hypertrophic cardiomyopathy. Last evaluated: 2025-11-14. Review status: reviewed by expert panel. Criteria: ClinGen CMP ACMG Specifications MYL3 V1.0.0. Collection method: curation. Allele origin: germline. Inheritance: Autosomal dominant inheritance.
Comment: NM_000258.3(MYL3):c.427G>A (p.Glu143Lys). This variant has been reported in individuals with HCM and other cardiomyopathies (Olsen 2002 PMID: 12021217, Caleshu 2011 PMID: 21823217, Walsh 2017 PMID: 27532257, Whiffin 2017 PMID: 28518168) and has also been identified in 4 out of 35436 (0.03% FAF 95% CI) of Latino chromosomes in gnomAD (v.2.1). Recessive inheritance has been described in two pedigrees (Olsen 2002 PMID: 12021217, Caleshu 2011 PMID: 21823217); in both families, homozygous individuals presented with early onset hypertrophic or restrictive cardiomyopathy and heterozygous adult relatives had normal echocardiograms and ECGs. This variant is not statistically increased in individuals with HCM compared to controls; [OR lower 95% CI <5]. Therefore, the PS4 criteria has not been applied and the PM2_Supporting criterion has not been applied either. Functional studies, including mouse models provide some evidence that this variant impacts protein function (PS3_Supporting; Lossie 2012 PMID: 22131351, McNamara 2017 PMID: 28658286, Yuan 2017 PMID: 28371863, Wang 2018 PMID: 29669825). Additionally, computational prediction tools and conservation analysis suggest that this variant may impact the protein (PP3; REVEL score ≥0.70). In summary, due to insufficient evidence, this variant is classified as uncertain significance for hypertrophic cardiomyopathy in an autosomal dominant manner based on PS3_Supporting, and PP3.

PreventionGenetics, part of Exact Sciences
Classification: Likely pathogenic for MYL3-related condition. Last evaluated: 2026-02-09. Review status: criteria provided, single submitter. Criteria: ACMG Guidelines, 2015. Collection method: clinical testing. Allele origin: germline. Not counted in ClinVar's aggregate classification.
Comment: The MYL3 c.427G>A variant is predicted to result in the amino acid substitution p.Glu143Lys. This variant has been reported in many individuals affected with hypertrophic cardiomyopathy (HCM) (Walsh et al. 2016. PubMed ID: 27532257; Gómez et al. 2017. PubMed ID: 28356264; McNamara et al. 2017. PubMed ID: 28658286; Mademont-Soler et al. 2017. PubMed ID: 28771489; Yadav et al. 2019. PubMed ID: 30706179; Miller et al. 2019. PubMed ID: 31199839; Yoneda et al. 2021. PubMed ID: 34495297). In at least two families, this variant was reported as homozygotes in the affected individuals with restrictive cardiomyopathy whereas heterozygous carriers were clinically unaffected (Olson et al. 2002. PubMed ID: 12021217; Caleshu et al. 2011. PubMed ID: 21823217). Functional studies suggested this variant reduces the binding affinity for the cardiac myosin heavy chain, and transgenic mice overexpressing the p.Glu143Lys variant exhibit clinical features of restrictive cardiomyopathy (Lossie et al. 2011. PubMed ID: 22131351; Sahni et al. 2015. PubMed ID: 25910212; Yuan et al. 2017. PubMed ID: 28371863). This variant is reported in 0.011% of alleles in individuals of Latino descent in gnomAD. In ClinVar, this variant has been classified by the ClinGen cardiomyopathy expert variant curation panel as uncertain for autosomal dominant hypertrophic cardiomyopathy (Variation ID: 14063). This variant is interpreted as likely pathogenic for autosomal recessive disease; however, in the context of autosomal dominant disease, this variant is considered uncertain.

Labcorp Genetics (formerly Invitae), Labcorp
Classification: Pathogenic for Hypertrophic cardiomyopathy. Last evaluated: 2026-01-19. Review status: criteria provided, single submitter. Criteria: Invitae Variant Classification Sherloc (09022015). Collection method: clinical testing. Allele origin: germline. Not counted in ClinVar's aggregate classification.
Comment: This sequence change replaces glutamic acid, which is acidic and polar, with lysine, which is basic and polar, at codon 143 of the MYL3 protein (p.Glu143Lys). This variant is present in population databases (rs104893750, gnomAD 0.009%). This missense change has been observed in individuals with autosomal dominant hypertrophic cardiomyopathy and/or autosomal recessive restrictive cardiomyopathy (PMID: 12021217, 21823217, 27532257; internal data). It has also been observed to segregate with disease in related individuals. ClinVar contains an entry for this variant (Variation ID: 14063). An algorithm developed to predict the effect of missense changes on protein structure and function (PolyPhen-2) suggests that this variant is likely to be disruptive. Experimental studies have shown that this missense change affects MYL3 function (PMID: 22131351). For these reasons, this variant has been classified as Pathogenic.

Ambry Genetics
Classification: Likely pathogenic for Cardiovascular phenotype. Last evaluated: 2026-01-09. Review status: criteria provided, single submitter. Criteria: Ambry Variant Classification Scheme 2023. Collection method: clinical testing. Allele origin: germline. Not counted in ClinVar's aggregate classification.
Comment: The p.E143K variant (also known as c.427G>A), located in coding exon 4 of the MYL3 gene, results from a G to A substitution at nucleotide position 427. The glutamic acid at codon 143 is replaced by lysine, an amino acid with similar properties. This alteration has been reported in the homozygous state in multiple unrelated individuals with early onset cardiomyopathy with restrictive physiology and/or hypertrophic cardiomyopathy (HCM) and has segregated with disease in affected homozygous siblings, while tested heterozygous family members were unaffected (Olson TM et al. Circulation. 2002;105(20):2337-40; Caleshu C et al. Am J Med Genet. A 2011;155A(9):2229-35; Ambry internal data; external communication). This alteration has also been detected in the heterozygous state in numerous individuals with HCM or who were referred for HCM genetic testing (McNamara JW et al. PLoS ONE. 2017;12(6):e0180064; Walsh R et al. Genet. Med. 2017;19:192-203; Ambry internal data; external communication). The vast majority of reported cases are of Hispanic ethnicity, and based on data from gnomAD, this alteration is present at a low frequency of 0.01% (4/35436) in the Latino sub-population. Functional studies suggest this alteration impacts a variety of mechanistic properties of myosin, and transgenic mice overexpressing E143K exhibit a phenotype consistent with restrictive cardiomyopathy; however, the clinical relevance of these results is unclear (Lossie J et al. Cardiovasc Res. 2012;93(3):390-6; Yuan CC et al. Cardiovasc Res. 2017;113(10):1124-1136; Wang Y et al. Open Biol. 2018;8(4):170240). This amino acid position is highly conserved in available vertebrate species. In addition, this alteration is predicted to be deleterious by in silico analysis. Based on the majority of available evidence to date, this variant is likely to be pathogenic; however, in the heterozygous state, this variant may have reduced penetrance.

GeneDx
Classification: Likely pathogenic. Last evaluated: 2025-09-05. Review status: criteria provided, single submitter. Criteria: GeneDx Variant Classification Process June 2021. Collection method: clinical testing. Allele origin: germline. Affected: yes. Not counted in ClinVar's aggregate classification.
Comment: Not observed at significant frequency in large population cohorts (gnomAD); In silico analysis supports that this missense variant has a deleterious effect on protein structure/function; This variant is associated with the following publications: (PMID: 21823217, 22957257, 28420666, 30297972, 25342278, 23594557, 27574918, 26443374, 21415409, 28658286, 25910212, 27532257, 28356264, 28771489, 31199839, 30706179, 28371863, 29669825, 31447099, 30847666, 37511838, 22131351, 12021217, 34014247, 35288424, 34495297, 37652022, 35026164, 33495597)